The following is an entry in ClinVar:

NM_017636.4(TRPM4):c.2573T>A (p.Leu858His)

Gene: TRPM4 (transient receptor potential cation channel subfamily M member 4; plus strand). Cytogenetic location: 19q13.33.
Variant type: single nucleotide variant.
Coding change: c.2573T>A on transcript NM_017636.4 (MANE Select); coding-DNA position 2573, T replaced by A.
Protein change: p.Leu858His; replaces leucine 858 with histidine.
Molecular consequence: missense variant. On other transcripts: intron variant (1).
Genome position (GRCh38, 1-based): chr19:49,196,802, T>A. VCF-style: chr19-49196802-T-A. GRCh37 (hg19) VCF-style: chr19-49700059-T-A.
Other names: c.2228T>A, p.Leu743His (NM_001321281.2); c.965T>A, p.Leu322His (NM_001321282.2); c.2051T>A, p.Leu684His (NM_001321283.2); c.1511T>A, p.Leu504His (NM_001321285.2); c.2211-3498T>A (NM_001195227.2); short protein forms L322H, L504H, L684H, L743H, L858H.
Identifiers: ClinVar variation 4865974 (VCV004865974.1).
Genomic context (GRCh38, chr19:49,196,802, plus strand): 5'-GCAGCCTCGCCAGCGGGGGCCCCGGGCCTGGCCATGCCTCACTGAGCCAGCGCCTGCGCC[T>A]CTACCTCGCCGACAGCTGGAACCAGTGCGACCTAGTGGCTCTCACCTGCTTCCTCCTGGG-3'
Protein context (NP_060106.2, residues 848-868): GHASLSQRLR[Leu858His]YLADSWNQCD

ClinVar aggregate classification (germline): Uncertain significance (1 of 4 stars; one submission).

Conditions:
Cardiovascular phenotype. Identifiers: MedGen CN230736.

Submission:

Ambry Genetics
Classification: Uncertain significance for Cardiovascular phenotype. Last evaluated: 2026-04-27. Review status: criteria provided, single submitter. Criteria: Ambry Variant Classification Scheme 2023. Collection method: clinical testing. Allele origin: germline.
Comment: The p.L858H variant (also known as c.2573T>A), located in coding exon 17 of the TRPM4 gene, results from a T to A substitution at nucleotide position 2573. The leucine at codon 858 is replaced by histidine, an amino acid with similar properties. This amino acid position is conserved. In addition, the in silico prediction for this alteration is inconclusive. Based on the available evidence, the clinical significance of this variant remains unclear.